The following is an entry in ClinVar:

ClinVar aggregate classification (germline): Benign/Likely benign. Review status: criteria provided, multiple submitters, no conflicts (2 of 4 stars). 3 submissions from 3 submitters: Benign (1); Likely benign (1). 1 of the submissions does not count toward it. Last evaluated 2025-10-19.

Conditions:
FBXW7-related disorder. Also called: FBXW7-related condition; FBXW7-related disorders.

Allele frequency attached by ClinVar (database versions not stated): ESP Exome Variant Server 0.00008; TOPMed 0.00014; gnomAD 0.00015; ExAC 0.00032; 1000 Genomes Project 30x 0.00078; 1000 Genomes Project 0.00080.
gnomAD v4.1: 152 of 1,609,414 alleles (0.0094%); highest among the groups gnomAD compares: East Asian, 0.23%; no homozygotes.

Submissions (3):

Labcorp Genetics (formerly Invitae), Labcorp
Classification: Benign. Last evaluated: 2025-10-19. Review status: criteria provided, single submitter. Criteria: Invitae Variant Classification Sherloc (09022015). Collection method: clinical testing. Allele origin: germline.

CeGaT Center for Human Genetics Tuebingen
Classification: Likely benign. Last evaluated: 2025-10-01. Review status: criteria provided, single submitter. Criteria: CeGaT Center For Human Genetics Tuebingen Variant Classification Criteria Version 2. Collection method: clinical testing. Allele origin: germline. Affected: yes. Observed: 1 variant allele.
Comment: FBXW7: BP4

PreventionGenetics, part of Exact Sciences
Classification: Likely benign for FBXW7-related condition. Last evaluated: 2024-04-18. Review status: no assertion criteria provided. Collection method: clinical testing. Allele origin: germline. Not counted in ClinVar's aggregate classification.
Comment: This variant is classified as likely benign based on ACMG/AMP sequence variant interpretation guidelines (Richards et al. 2015 PMID: 25741868, with internal and published modifications).

NM_001349798.2(FBXW7):c.1644+6A>C

Gene: FBXW7 (F-box and WD repeat domain containing 7; minus strand). Cytogenetic location: 4q31.3.
Variant type: single nucleotide variant.
Coding change: c.1644+6A>C on transcript NM_001349798.2 (MANE Select); 6 bases into the intron after coding-DNA position 1644, A replaced by C.
Molecular consequence: intron variant.
Genome position (GRCh38, 1-based): chr4:152,326,000, T>G on the plus strand (A>C on the coding strand, the complement: FBXW7 is on the minus strand). VCF-style: chr4-152326000-T-G. GRCh37 (hg19) VCF-style: chr4-153247152-T-G.
Other names: c.1290+6A>C (NM_001013415.2); c.1404+6A>C (NM_018315.5); c.1644+6A>C (NM_033632.3).
Identifiers: ClinVar variation 3045311 (VCV003045311.10), dbSNP rs370070523, ClinGen allele CA3106152.